The following is an entry in ClinVar:

ClinVar aggregate classification (germline): Pathogenic (1 of 4 stars; one submission).

Conditions:
Hyper-IgM syndrome type 1. Also called: CD40 Ligand Deficiency; X-linked hyper-IgM syndrome; Immunodeficiency, X-linked, with hyper-IgM; Hyper-IgM Immunodeficiency Syndrome, Type 1. Identifiers: Orphanet 101088, MedGen C0398689, MONDO:0010626, OMIM 308230.

Submission:

Labcorp Genetics (formerly Invitae), Labcorp
Classification: Pathogenic for Hyper-IgM syndrome type 1. Last evaluated: 2022-02-02. Review status: criteria provided, single submitter. Criteria: Invitae Variant Classification Sherloc (09022015). Collection method: clinical testing. Allele origin: germline.
Comment: For these reasons, this variant has been classified as Pathogenic. This variant disrupts a region of the CD40LG protein in which other variant(s) (p.Ala123Glu) have been determined to be pathogenic (PMID: 8094231, 10559240, 15623492). This suggests that this is a clinically significant region of the protein, and that variants that disrupt it are likely to be disease-causing. This variant has not been reported in the literature in individuals affected with CD40LG-related conditions. This variant is not present in population databases (gnomAD no frequency). This sequence change creates a premature translational stop signal (p.Gln114Lysfs*14) in the CD40LG gene. While this is not anticipated to result in nonsense mediated decay, it is expected to disrupt the last 148 amino acid(s) of the CD40LG protein.

Literature cited by the submitters: PubMed 8094231; PubMed 10559240; PubMed 15623492.

NM_000074.3(CD40LG):c.340del (p.Gln114fs)

Gene: CD40LG (CD40 ligand; plus strand). Cytogenetic location: Xq26.3.
Variant type: Deletion.
Coding change: c.340del on transcript NM_000074.3 (MANE Select); coding-DNA position 340, one base deleted (C; older notation c.340delC).
Protein change: p.Gln114fs; shifts the reading frame from glutamine 114.
Molecular consequence: frameshift variant.
Genome position (GRCh38, 1-based): chrX:136,654,424, C deleted. VCF-style (leftmost placement, unchanged base first): chrX-136654423-GC-G. GRCh37 (hg19) VCF-style: chrX-135736582-GC-G.
Other names: short protein forms Q114fs.
Identifiers: ClinVar variation 2092047 (VCV002092047.4), dbSNP rs2522111700, ClinGen allele CA2580101576.